The following is an entry in ClinVar:

ClinVar aggregate classification (germline): Likely benign. Review status: criteria provided, multiple submitters, no conflicts (2 of 4 stars). 2 submissions from 2 submitters: Likely benign (2). Last evaluated 2018-06-17.

Allele frequency attached by ClinVar (database versions not stated): 1000 Genomes Project 0.00839; 1000 Genomes Project 30x 0.00874; TOPMed 0.02001; gnomAD 0.02022 and 0.02069.
gnomAD v4.1: 29,593 of 1,061,756 alleles (2.8%); highest among the groups gnomAD compares: Middle Eastern, 3.9%; 508 homozygotes.

Submissions (2):

GeneDx
Classification: Likely benign. Last evaluated: 2018-06-17. Review status: criteria provided, single submitter. Criteria: GeneDx Variant Classification (06012015). Collection method: clinical testing. Allele origin: germline. Affected: yes.
Comment: This variant is considered likely benign or benign based on one or more of the following criteria: it is a conservative change, it occurs at a poorly conserved position in the protein, it is predicted to be benign by multiple in silico algorithms, and/or has population frequency not consistent with disease.

Breakthrough Genomics
Classification: Likely benign. Review status: criteria provided, single submitter. Criteria: ACMG Guidelines, 2015. Collection method: not provided. Allele origin: germline. Inheritance: Autosomal recessive inheritance. Affected: yes.

NM_016169.4(SUFU):c.1365+103G>T

Gene: SUFU (SUFU negative regulator of hedgehog signaling; plus strand). Cytogenetic location: 10q24.32.
Variant type: single nucleotide variant.
Coding change: c.1365+103G>T on transcript NM_016169.4 (MANE Select); 103 bases into the intron after coding-DNA position 1365, G replaced by T.
Molecular consequence: intron variant.
Genome position (GRCh38, 1-based): chr10:102,627,346, G>T. VCF-style: chr10-102627346-G-T. GRCh37 (hg19) VCF-style: chr10-104387103-G-T.
Identifiers: ClinVar variation 677757 (VCV000677757.2), dbSNP rs41297161, ClinGen allele CA212248597.